The following is an entry in ClinVar:

NM_130837.3(OPA1):c.1481G>T (p.Gly494Val)

Gene: OPA1 (OPA1 mitochondrial dynamin like GTPase; plus strand). Cytogenetic location: 3q29.
Variant type: single nucleotide variant.
Coding change: c.1481G>T on transcript NM_130837.3 (MANE Select); coding-DNA position 1481, G replaced by T.
Protein change: p.Gly494Val; replaces glycine 494 with valine.
Molecular consequence: missense variant.
Genome position (GRCh38, 1-based): chr3:193,643,978, G>T. VCF-style: chr3-193643978-G-T. GRCh37 (hg19) VCF-style: chr3-193361767-G-T.
Other names: c.947G>T, p.Gly316Val (NM_001354663.2); c.944G>T, p.Gly315Val (NM_001354664.2); c.1316G>T, p.Gly439Val (NM_015560.3); c.1208G>T, p.Gly403Val (NM_130831.3); c.1262G>T, p.Gly421Val (NM_130832.3); c.1319G>T, p.Gly440Val (NM_130833.3); c.1370G>T, p.Gly457Val (NM_130834.3); c.1373G>T, p.Gly458Val (NM_130835.3); and 1 more; short protein forms G439V, G494V, G403V, G440V, G421V, G476V, G316V, G457V.
Identifiers: ClinVar variation 30462 (VCV000030462.8), dbSNP rs387906900, ClinGen allele CA129231.

ClinVar aggregate classification (germline): Pathogenic. Review status: criteria provided, multiple submitters, no conflicts (2 of 4 stars). 3 submissions from 3 submitters: Pathogenic (2). 1 of the submissions does not count toward it. Last evaluated 2022-05-16.

Conditions:
OPA1-related disorder. Also called: OPA1-related condition; OPA1-related disorders.
Optic atrophy with or without deafness, ophthalmoplegia, myopathy, ataxia, and neuropathy. Also called: OPTIC ATROPHY PLUS SYNDROME. Identifiers: MedGen C3276549, MONDO:0007429, OMIM 125250.

Submissions (3):

Blueprint Genetics
Classification: Pathogenic for OPA1-related disorders. Last evaluated: 2022-05-16. Review status: criteria provided, single submitter. Criteria: ACMG Guidelines, 2015. Collection method: clinical testing. Allele origin: germline. Affected: yes. Observed: 1 variant allele.

Labcorp Genetics (formerly Invitae), Labcorp
Classification: Pathogenic. Last evaluated: 2021-09-29. Review status: criteria provided, single submitter. Criteria: Invitae Variant Classification Sherloc (09022015). Collection method: clinical testing. Allele origin: germline.
Comment: Experimental studies have shown that this missense change affects OPA1 function (PMID: 20185555). Advanced modeling of protein sequence and biophysical properties (such as structural, functional, and spatial information, amino acid conservation, physicochemical variation, residue mobility, and thermodynamic stability) performed at Invitae indicates that this missense variant is expected to disrupt OPA1 protein function. ClinVar contains an entry for this variant (Variation ID: 30462). This variant is also known as c.1481G>T (p.Gly494Val). This missense change has been observed in individual(s) with dominant optical atrophy (PMID: 18204809, 33884488). In at least one individual the variant was observed to be de novo. This variant is not present in population databases (ExAC no frequency). This sequence change replaces glycine with valine at codon 439 of the OPA1 protein (p.Gly439Val). The glycine residue is moderately conserved and there is a moderate physicochemical difference between glycine and valine. Algorithms developed to predict the effect of sequence changes on RNA splicing suggest that this variant may create or strengthen a splice site. For these reasons, this variant has been classified as Pathogenic.

OMIM
Classification: Pathogenic for OPTIC ATROPHY PLUS SYNDROME. Last evaluated: 2008-02-01. Review status: no assertion criteria provided. Collection method: literature only. Allele origin: germline. Not counted in ClinVar's aggregate classification.

Literature cited by the submitters: PubMed 20185555 (cited by Labcorp Genetics (formerly Invitae), Labcorp); PubMed 18204809 (cited by Labcorp Genetics (formerly Invitae), Labcorp); PubMed 33884488 (cited by Labcorp Genetics (formerly Invitae), Labcorp); PubMed 18158317 (cited by OMIM).